The following is an entry in ClinVar:

NM_004006.3(DMD):c.95T>C (p.Phe32Ser)

Gene: DMD (dystrophin; minus strand). Cytogenetic location: Xp21.1.
Variant type: single nucleotide variant.
Coding change: c.95T>C on transcript NM_004006.3 (MANE Select); coding-DNA position 95, T replaced by C.
Protein change: p.Phe32Ser; replaces phenylalanine 32 with serine.
Molecular consequence: missense variant. On other transcripts: 5 prime UTR variant (1).
Genome position (GRCh38, 1-based): chrX:32,849,819, A>G on the plus strand (T>C on the coding strand, the complement: DMD is on the minus strand). VCF-style: chrX-32849819-A-G. GRCh37 (hg19) VCF-style: chrX-32867936-A-G.
Other names: c.71T>C, p.Phe24Ser (NM_000109.4); c.83T>C, p.Phe28Ser (NM_004009.3); c.-275T>C (NM_004010.3); short protein forms F28S, F32S, F24S.
Identifiers: ClinVar variation 834316 (VCV000834316.9), dbSNP rs2080986752, ClinGen allele CA412675008.

ClinVar aggregate classification (germline): Uncertain significance. Review status: criteria provided, single submitter (1 of 4 stars). 2 submissions from 2 submitters: Uncertain significance (1). 1 of the submissions does not count toward it. Last evaluated 2025-10-14.

Conditions:
Duchenne muscular dystrophy (DMD). Also called: Duchenne Muscular Dystrophy (DMD); MUSCULAR DYSTROPHY, PSEUDOHYPERTROPHIC PROGRESSIVE, DUCHENNE TYPE. Identifiers: Orphanet 98896, MedGen C0013264, MONDO:0010679, OMIM 310200.
Dystrophin deficiency.

Submissions (2):

Labcorp Genetics (formerly Invitae), Labcorp
Classification: Uncertain significance for Duchenne muscular dystrophy. Last evaluated: 2025-10-14. Review status: criteria provided, single submitter. Criteria: Invitae Variant Classification Sherloc (09022015). Collection method: clinical testing. Allele origin: germline.
Comment: This sequence change replaces phenylalanine, which is neutral and non-polar, with serine, which is neutral and polar, at codon 32 of the DMD protein (p.Phe32Ser). This variant is not present in population databases (gnomAD no frequency). This variant has not been reported in the literature in individuals affected with DMD-related conditions. ClinVar contains an entry for this variant (Variation ID: 834316). An algorithm developed to predict the effect of missense changes on protein structure and function (PolyPhen-2) suggests that this variant is likely to be disruptive. In summary, the available evidence is currently insufficient to determine the role of this variant in disease. Therefore, it has been classified as a Variant of Uncertain Significance.

Natera, Inc.
Classification: Uncertain significance for Dystrophin deficiency. Last evaluated: 2020-09-16. Review status: no assertion criteria provided. Collection method: clinical testing. Allele origin: germline. Not counted in ClinVar's aggregate classification.